The following is an entry in ClinVar:

NM_001384732.1(CPLANE1):c.8336T>C (p.Phe2779Ser)

Gene: CPLANE1 (ciliogenesis and planar polarity effector complex subunit 1; minus strand). Cytogenetic location: 5p13.2.
Variant type: single nucleotide variant.
Coding change: c.8336T>C on transcript NM_001384732.1 (MANE Select); coding-DNA position 8336, T replaced by C.
Protein change: p.Phe2779Ser; replaces phenylalanine 2779 with serine.
Molecular consequence: missense variant.
Genome position (GRCh38, 1-based): chr5:37,153,777, A>G on the plus strand (T>C on the coding strand, the complement: CPLANE1 is on the minus strand). VCF-style: chr5-37153777-A-G. GRCh37 (hg19) VCF-style: chr5-37153879-A-G.
Other names: c.8174T>C, p.Phe2725Ser (NM_023073.4); short protein forms F2725S, F2779S.
Identifiers: ClinVar variation 2020773 (VCV002020773.1), dbSNP rs2547279082, ClinGen allele CA359473670.

ClinVar aggregate classification (germline): Uncertain significance (1 of 4 stars; one submission).

Allele frequency attached by ClinVar (database versions not stated): gnomAD exomes below 0.00001.
gnomAD v4.1: 2 of 1,613,110 alleles (0.00012%); highest among the groups gnomAD compares: Non-Finnish European, 0.00017%; no homozygotes.

Submission:

Labcorp Genetics (formerly Invitae), Labcorp
Classification: Uncertain significance. Last evaluated: 2022-07-30. Review status: criteria provided, single submitter. Criteria: Invitae Variant Classification Sherloc (09022015). Collection method: clinical testing. Allele origin: germline.
Comment: This sequence change replaces phenylalanine, which is neutral and non-polar, with serine, which is neutral and polar, at codon 2725 of the CPLANE1 protein (p.Phe2725Ser). This variant is not present in population databases (gnomAD no frequency). This variant has not been reported in the literature in individuals affected with CPLANE1-related conditions. Advanced modeling of protein sequence and biophysical properties (such as structural, functional, and spatial information, amino acid conservation, physicochemical variation, residue mobility, and thermodynamic stability) performed at Invitae indicates that this missense variant is expected to disrupt CPLANE1 protein function. In summary, the available evidence is currently insufficient to determine the role of this variant in disease. Therefore, it has been classified as a Variant of Uncertain Significance.